The following is an entry in ClinVar:

ClinVar aggregate classification (germline): Uncertain significance (1 of 4 stars; one submission).

Conditions:
Familial renal glucosuria (GLYS). Also called: RENAL GLUCOSURIA, AUTOSOMAL DOMINANT; Familial renal glycosuria. Identifiers: Orphanet 69076, MedGen C3245525, MONDO:0009297, OMIM 233100.

Submission:

MVZ Medizinische Genetik Mainz
Classification: Uncertain significance for Familial renal glucosuria. Last evaluated: 2026-04-07. Review status: criteria provided, single submitter. Criteria: UK Practice Guidelines For Variant Classification V4 01 2020. Collection method: clinical testing. Allele origin: germline. Inheritance: Autosomal recessive inheritance. Affected: yes. Observed: 1 variant allele.
Comment: ACMG Criteria: PP3_MOD,PM2_SUP,PP4

NM_003041.4(SLC5A2):c.1094C>T (p.Ala365Val)

Gene: SLC5A2 (solute carrier family 5 member 2; plus strand). Cytogenetic location: 16p11.2.
Variant type: single nucleotide variant.
Coding change: c.1094C>T on transcript NM_003041.4 (MANE Select); coding-DNA position 1094, C replaced by T.
Protein change: p.Ala365Val; replaces alanine 365 with valine.
Molecular consequence: missense variant. On other transcripts: non-coding transcript variant (1).
Genome position (GRCh38, 1-based): chr16:31,488,455, C>T. VCF-style: chr16-31488455-C-T. GRCh37 (hg19) VCF-style: chr16-31499776-C-T.
Other names: short protein forms A365V.
Identifiers: ClinVar variation 4852341 (VCV004852341.1).